The following is an entry in ClinVar:

ClinVar aggregate classification (germline): Likely benign. Review status: criteria provided, multiple submitters, no conflicts (2 of 4 stars). 2 submissions from 2 submitters: Likely benign (2). Last evaluated 2024-09-01.

Allele frequency attached by ClinVar (database versions not stated): ESP Exome Variant Server 0.00008; ExAC 0.00023; gnomAD 0.00026 and 0.00029; gnomAD exomes 0.00026; TOPMed 0.00035.
gnomAD v4.1: 308 of 1,605,456 alleles (0.019%); highest among the groups gnomAD compares: Admixed American, 0.11%; no homozygotes.

Submissions (2):

CeGaT Center for Human Genetics Tuebingen
Classification: Likely benign. Last evaluated: 2024-09-01. Review status: criteria provided, single submitter. Criteria: CeGaT Center For Human Genetics Tuebingen Variant Classification Criteria Version 2. Collection method: clinical testing. Allele origin: germline. Affected: yes. Observed: 1 variant allele.
Comment: SETD1A: BS1

Labcorp Genetics (formerly Invitae), Labcorp
Classification: Likely benign. Last evaluated: 2018-08-20. Review status: criteria provided, single submitter. Criteria: Invitae Variant Classification Sherloc (09022015). Collection method: clinical testing. Allele origin: germline.

NM_014712.3(SETD1A):c.2268C>T (p.Ala756=)

Gene: SETD1A (SET domain containing 1A, histone lysine methyltransferase; plus strand). Cytogenetic location: 16p11.2.
Variant type: single nucleotide variant.
Coding change: c.2268C>T on transcript NM_014712.3 (MANE Select); coding-DNA position 2268, C replaced by T.
Protein change: p.Ala756=; no amino-acid change (alanine 756 retained).
Molecular consequence: synonymous variant.
Genome position (GRCh38, 1-based): chr16:30,966,149, C>T. VCF-style: chr16-30966149-C-T. GRCh37 (hg19) VCF-style: chr16-30977470-C-T.
Identifiers: ClinVar variation 709311 (VCV000709311.17), dbSNP rs370636455, ClinGen allele CA8016891.